The following is an entry in ClinVar:

ClinVar aggregate classification (germline): Benign/Likely benign. Review status: criteria provided, multiple submitters, no conflicts (2 of 4 stars). 6 submissions from 6 submitters: Benign (3); Likely benign (3). Last evaluated 2024-11-27.

Conditions:
Hirschsprung disease, susceptibility to, 2. Identifiers: Orphanet 388, MedGen C1838564, MONDO:0010833, OMIM 600155.

Allele frequency attached by ClinVar (database versions not stated): ESP Exome Variant Server 0.00907; TOPMed 0.01033; 1000 Genomes Project 30x 0.01374; 1000 Genomes Project 0.01458; ExAC 0.02276; gnomAD 0.02325.
gnomAD v4.1: 21,073 of 1,554,920 alleles (1.4%); highest among the groups gnomAD compares: East Asian, 1.7%; 255 homozygotes.

Submissions (6):

Blueprint Genetics
Classification: Likely benign. Last evaluated: 2024-11-27. Review status: criteria provided, single submitter. Criteria: ACMG Guidelines, 2015. Collection method: clinical testing. Allele origin: germline.

Athena Diagnostics
Classification: Benign. Last evaluated: 2019-03-04. Review status: criteria provided, single submitter. Criteria: Athena Diagnostics Criteria. Collection method: clinical testing. Allele origin: germline.

Illumina Laboratory Services, Illumina
Classification: Likely benign for Hirschsprung disease, susceptibility to, 2. Last evaluated: 2018-01-13. Review status: criteria provided, single submitter. Criteria: ICSL Variant Classification Criteria 13 December 2019. Collection method: clinical testing. Allele origin: germline.
Comment: This variant was observed in the ICSL laboratory as part of a predisposition screen in an ostensibly healthy population. It had not been previously curated by ICSL or reported in the Human Gene Mutation Database (HGMD: prior to June 1st, 2018), and was therefore a candidate for classification through an automated scoring system. Utilizing variant allele frequency, disease prevalence and penetrance estimates, and inheritance mode, an automated score was calculated to assess if this variant is too frequent to cause the disease. Based on the score and internal cut-off values, a variant classified as likely benign is not then subjected to further curation. The score for this variant resulted in a classification of likely benign for this disease.

GeneDx
Classification: Benign. Last evaluated: 2017-06-06. Review status: criteria provided, single submitter. Criteria: GeneDx Variant Classification Process June 2021. Collection method: clinical testing. Allele origin: germline. Affected: yes.

Laboratory for Molecular Medicine, Mass General Brigham Personalized Medicine
Classification: Benign. Last evaluated: 2014-11-24. Review status: criteria provided, single submitter. Criteria: LMM Criteria. Collection method: clinical testing. Allele origin: germline. Observed: 21 variant alleles.
Comment: *9C>T in exon 7B of EDNRB: This variant is not expected to have clinical signifi cance because it has been identified in 1.2% (101/8104) of European American chr omosomes from a broad population by the NHLBI Exome Sequencing Project (dbSNP rs3027092).

Breakthrough Genomics
Classification: Likely benign. Review status: criteria provided, single submitter. Criteria: ACMG Guidelines, 2015. Collection method: not provided. Allele origin: germline. Inheritance: Autosomal recessive inheritance. Affected: yes.

NM_001122659.3(EDNRB):c.*1767C>T

Genes: EDNRB-AS1 (EDNRB antisense RNA 1; plus strand), EDNRB (endothelin receptor type B; minus strand). Cytogenetic location: 13q22.3.
Variant type: single nucleotide variant.
Coding change: c.*1767C>T on transcript NM_001122659.3 (MANE Select); 1767 bases downstream of the stop codon, C replaced by T.
Molecular consequence: 3 prime UTR variant.
Genome position (GRCh38, 1-based): chr13:77,896,433, G>A on the plus strand (C>T on the coding strand, the complement: EDNRB is on the minus strand). VCF-style: chr13-77896433-G-A. GRCh37 (hg19) VCF-style: chr13-78470568-G-A.
Other names: c.*1767C>T (NM_000115.5, NM_001201397.2); c.*9C>T (NM_003991.4).
Identifiers: ClinVar variation 226627 (VCV000226627.13), dbSNP rs3027092, ClinGen allele CA7012104.